The following is an entry in ClinVar:

ClinVar aggregate classification (germline): Pathogenic (1 of 4 stars; one submission).

Conditions:
Autosomal dominant optic atrophy classic form (OPA1). Also called: Optic Atrophy Type 1; KJER-TYPE OPTIC ATROPHY; OPTIC ATROPHY, JUVENILE. Identifiers: Orphanet 98673, MedGen C0338508, MONDO:0008134, OMIM 165500.

Submission:

MVZ Medizinische Genetik Mainz
Classification: Pathogenic for Autosomal dominant optic atrophy classic form. Last evaluated: 2023-10-09. Review status: criteria provided, single submitter. Criteria: UK Practice Guidelines For Variant Classification V4 01 2020. Collection method: clinical testing. Allele origin: germline. Inheritance: Autosomal dominant inheritance. Affected: yes. Observed: 1 variant allele.
Comment: ACMG Criteria: PVS1,PM2_SUP,PP4

NM_130837.3(OPA1):c.2714dup (p.Asn906fs)

Gene: OPA1 (OPA1 mitochondrial dynamin like GTPase; plus strand). Cytogenetic location: 3q29.
Variant type: Duplication.
Coding change: c.2714dup on transcript NM_130837.3 (MANE Select); coding-DNA position 2714, one base duplicated (T; older notation c.2714dupT).
Protein change: p.Asn906fs; shifts the reading frame from asparagine 906.
Molecular consequence: frameshift variant.
Genome position (GRCh38, 1-based): chr3:193,664,932, T duplicated. VCF-style (leftmost placement, unchanged base first): chr3-193664931-C-CT. GRCh37 (hg19) VCF-style: chr3-193382720-C-CT.
Other names: c.2180dup, p.Asn728fs (NM_001354663.2); c.2177dup, p.Asn727fs (NM_001354664.2); c.2549dup, p.Asn851fs (NM_015560.3); c.2441dup, p.Asn815fs (NM_130831.3); c.2495dup, p.Asn833fs (NM_130832.3); c.2552dup, p.Asn852fs (NM_130833.3); c.2603dup, p.Asn869fs (NM_130834.3); c.2606dup, p.Asn870fs (NM_130835.3); and 1 more; short protein forms N727fs, N728fs, N815fs, N833fs, N851fs, N852fs, N869fs, N870fs.
Identifiers: ClinVar variation 3236000 (VCV003236000.1), dbSNP rs2475166131, ClinGen allele CA2825001261.
Genomic context (GRCh38, chr3:193,664,931, plus strand): 5'-TCATTTTAGATTAAGGATACTTGGCATCAAGTTTATAGAAGACATTTTTTAAAAACAGCT[C>CT]TAAACCATTGTAACCTTTGTCGAAGAGGTTTTTATTACTACCAAAGGCATTTTGTAGATT-3'